The following is an entry in ClinVar:

ClinVar aggregate classification (germline): Uncertain significance (1 of 4 stars; one submission).

Conditions:
Combined immunodeficiency due to DOCK8 deficiency (HIES2). Also called: HIES autosomal recessive; DOCK8 Deficiency; Hyper-IgE recurrent infection syndrome, autosomal recessive; HYPER-IgE RECURRENT INFECTION SYNDROME 2, AUTOSOMAL RECESSIVE; HYPER-IgE SYNDROME 2, AUTOSOMAL RECESSIVE, WITH RECURRENT INFECTIONS. Identifiers: Orphanet 217390, MedGen C4722305, MONDO:0009478, OMIM 243700.

Allele frequency attached by ClinVar (database versions not stated): gnomAD exomes below 0.00001; TOPMed 0.00002.
gnomAD v4.1: 6 of 1,614,194 alleles (0.00037%); highest among the groups gnomAD compares: Non-Finnish European, 0.00034%; no homozygotes.

Submission:

Labcorp Genetics (formerly Invitae), Labcorp
Classification: Uncertain significance for Combined immunodeficiency due to DOCK8 deficiency. Last evaluated: 2022-03-16. Review status: criteria provided, single submitter. Criteria: Invitae Variant Classification Sherloc (09022015). Collection method: clinical testing. Allele origin: germline.
Comment: ClinVar contains an entry for this variant (Variation ID: 861127). This sequence change replaces glycine, which is neutral and non-polar, with arginine, which is basic and polar, at codon 1274 of the DOCK8 protein (p.Gly1274Arg). This variant is not present in population databases (gnomAD no frequency). This variant has not been reported in the literature in individuals affected with DOCK8-related conditions. Algorithms developed to predict the effect of missense changes on protein structure and function are either unavailable or do not agree on the potential impact of this missense change (SIFT: "Deleterious"; PolyPhen-2: "Possibly Damaging"; Align-GVGD: "Class C0"). In summary, the available evidence is currently insufficient to determine the role of this variant in disease. Therefore, it has been classified as a Variant of Uncertain Significance.

NM_203447.4(DOCK8):c.3820G>A (p.Gly1274Arg)

Gene: DOCK8 (dedicator of cytokinesis 8; plus strand). Cytogenetic location: 9p24.3.
Variant type: single nucleotide variant.
Coding change: c.3820G>A on transcript NM_203447.4 (MANE Select); coding-DNA position 3820, G replaced by A.
Protein change: p.Gly1274Arg; replaces glycine 1274 with arginine.
Molecular consequence: missense variant.
Genome position (GRCh38, 1-based): chr9:418,187, G>A. VCF-style: chr9-418187-G-A. GRCh37 (hg19) VCF-style: chr9-418187-G-A.
Other names: c.3520G>A, p.Gly1174Arg (NM_001190458.2); c.3616G>A, p.Gly1206Arg (NM_001193536.2); short protein forms G1174R, G1206R, G1274R.
Identifiers: ClinVar variation 861127 (VCV000861127.9), dbSNP rs1356036160, ClinGen allele CA372762445.